The following is an entry in ClinVar:

ClinVar aggregate classification (germline): Conflicting classifications of pathogenicity. Review status: criteria provided, conflicting classifications (1 of 4 stars). 3 submissions from 3 submitters: Uncertain significance (1); Likely benign (2). Last evaluated 2025-08-06.

Conditions:
Aortic aneurysm, familial thoracic 7 (AAT7). Also called: AORTIC DISSECTION, FAMILIAL, WITH OR WITHOUT AORTIC ANEURYSM. Identifiers: MedGen C3151077, MONDO:0013418, OMIM 613780.

Allele frequency attached by ClinVar (database versions not stated): gnomAD 0.00001; gnomAD exomes 0.00001; TOPMed 0.00004; ExAC 0.00005.
gnomAD v4.1: 20 of 1,614,052 alleles (0.0012%); highest among the groups gnomAD compares: East Asian, 0.04%; no homozygotes.

Submissions (3):

Labcorp Genetics (formerly Invitae), Labcorp
Classification: Likely benign for Aortic aneurysm, familial thoracic 7. Last evaluated: 2025-08-06. Review status: criteria provided, single submitter. Criteria: Invitae Variant Classification Sherloc (09022015). Collection method: clinical testing. Allele origin: germline.

Mayo Clinic Laboratories, Mayo Clinic
Classification: Uncertain significance. Last evaluated: 2024-02-07. Review status: criteria provided, single submitter. Criteria: ACMG Guidelines, 2015. Collection method: clinical testing. Allele origin: germline. Observed: 1 variant allele.
Comment: BP4

Blueprint Genetics
Classification: Likely benign. Last evaluated: 2022-05-02. Review status: criteria provided, single submitter. Criteria: ACMG Guidelines, 2015. Collection method: clinical testing. Allele origin: germline.

Literature cited by the submitters: PubMed 36580209 (cited by Mayo Clinic Laboratories, Mayo Clinic).

NM_053025.4(MYLK):c.3907G>C (p.Glu1303Gln)

Gene: MYLK (myosin light chain kinase; minus strand). Cytogenetic location: 3q21.1.
Variant type: single nucleotide variant.
Coding change: c.3907G>C on transcript NM_053025.4 (MANE Select); coding-DNA position 3907, G replaced by C.
Protein change: p.Glu1303Gln; replaces glutamic acid 1303 with glutamine.
Molecular consequence: missense variant.
Genome position (GRCh38, 1-based): chr3:123,664,183, C>G on the plus strand (G>C on the coding strand, the complement: MYLK is on the minus strand). VCF-style: chr3-123664183-C-G. GRCh37 (hg19) VCF-style: chr3-123383030-C-G.
Other names: p.Glu1303Gln; c.3379G>C, p.Glu1127Gln (NM_001321309.2); c.3700G>C, p.Glu1234Gln (NM_053026.4, NM_053028.4); c.3907G>C, p.Glu1303Gln (NM_053027.4); short protein forms E1303Q, E1127Q, E1234Q.
Identifiers: ClinVar variation 2202914 (VCV002202914.6), dbSNP rs777401981, ClinGen allele CA070454.